The following is an entry in ClinVar:

ClinVar aggregate classification (germline): Uncertain significance (1 of 4 stars; one submission).

gnomAD v4.1: 21 of 1,613,304 alleles (0.0013%); highest among the groups gnomAD compares: South Asian, 0.0055%; no homozygotes.

Submission:

Labcorp Genetics (formerly Invitae), Labcorp
Classification: Uncertain significance. Last evaluated: 2024-11-19. Review status: criteria provided, single submitter. Criteria: Invitae Variant Classification Sherloc (09022015). Collection method: clinical testing. Allele origin: germline.
Comment: This sequence change replaces arginine, which is basic and polar, with histidine, which is basic and polar, at codon 1048 of the DIAPH3 protein (p.Arg1048His). This variant is present in population databases (rs775919583, gnomAD 0.003%). This missense change has been observed in individual(s) with developmental disorder (PMID: 31785789, 33057194, 35982159). This variant is also known as 13:60384942C>T. An algorithm developed to predict the effect of missense changes on protein structure and function (PolyPhen-2) suggests that this variant is likely to be tolerated. In summary, the available evidence is currently insufficient to determine the role of this variant in disease. Therefore, it has been classified as a Variant of Uncertain Significance.

Literature cited by the submitters: PubMed 31785789; PubMed 33057194; PubMed 35982159.

NM_001042517.2(DIAPH3):c.3143G>A (p.Arg1048His)

Gene: DIAPH3 (diaphanous related formin 3; minus strand). Cytogenetic location: 13q21.2.
Variant type: single nucleotide variant.
Coding change: c.3143G>A on transcript NM_001042517.2 (MANE Select); coding-DNA position 3143, G replaced by A.
Protein change: p.Arg1048His; replaces arginine 1048 with histidine.
Molecular consequence: missense variant.
Genome position (GRCh38, 1-based): chr13:59,810,808, C>T on the plus strand (G>A on the coding strand, the complement: DIAPH3 is on the minus strand). VCF-style: chr13-59810808-C-T. GRCh37 (hg19) VCF-style: chr13-60384942-C-T.
Other names: c.3110G>A, p.Arg1037His (NM_001258366.2); c.3005G>A, p.Arg1002His (NM_001258367.2); c.2933G>A, p.Arg978His (NM_001258368.2); c.3143G>A, p.Arg1048His (NM_001258369.2); c.2354G>A, p.Arg785His (NM_030932.4); short protein forms R1002H, R1037H, R978H, R1048H, R785H.
Identifiers: ClinVar variation 3681963 (VCV003681963.2).